The following is an entry in ClinVar:

ClinVar aggregate classification (germline): Uncertain significance (1 of 4 stars; one submission).

Allele frequency attached by ClinVar (database versions not stated): gnomAD exomes below 0.00001.
gnomAD v4.1: 2 of 1,557,094 alleles (0.00013%); highest among the groups gnomAD compares: Non-Finnish European, 0.000087%; no homozygotes.

Submission:

GeneDx
Classification: Uncertain significance. Last evaluated: 2022-11-16. Review status: criteria provided, single submitter. Criteria: GeneDx Variant Classification Process June 2021. Collection method: clinical testing. Allele origin: germline. Affected: yes.
Comment: Not observed at significant frequency in large population cohorts (gnomAD); In silico analysis supports that this missense variant does not alter protein structure/function; Has not been previously published as pathogenic or benign to our knowledge

NM_007327.4(GRIN1):c.1555A>G (p.Ile519Val)

Gene: GRIN1 (glutamate ionotropic receptor NMDA type subunit 1; plus strand). Cytogenetic location: 9q34.3.
Variant type: single nucleotide variant.
Coding change: c.1555A>G on transcript NM_007327.4 (MANE Select); coding-DNA position 1555, A replaced by G.
Protein change: p.Ile519Val; replaces isoleucine 519 with valine.
Molecular consequence: missense variant.
Genome position (GRCh38, 1-based): chr9:137,162,011, A>G. VCF-style: chr9-137162011-A-G. GRCh37 (hg19) VCF-style: chr9-140056463-A-G.
Other names: c.1555A>G, p.Ile519Val (NM_000832.7, NM_021569.4); c.1618A>G, p.Ile540Val (NM_001185090.2, NM_001185091.2); short protein forms I519V, I540V.
Identifiers: ClinVar variation 2502519 (VCV002502519.1), dbSNP rs2538634543, ClinGen allele CA375717325.